The following is an entry in ClinVar:

ClinVar aggregate classification (germline): Pathogenic. Review status: reviewed by expert panel (3 of 4 stars). 15 submissions from 15 submitters: Pathogenic (1). 14 of the submissions do not count toward it. Last evaluated 2016-09-08.

Conditions:
Inherited breast cancer and ovarian cancer.
BRCA2-related disorder. Also called: BRCA2-related condition; BRCA2-related disorders. Identifiers: MedGen CN239275.
Glioma susceptibility 3 (GLM3). Also called: Glioblastoma 3. Identifiers: Orphanet 182067, Orphanet 360, MedGen C2751641, MONDO:0013093, OMIM 613029.
Prostate cancer. Also called: Malignant tumor of prostate. Identifiers: Orphanet 1331, MedGen C0376358, MONDO:0008315, HP:0012125.
Breast-ovarian cancer, familial, susceptibility to, 2 (BROVCA2). Also called: BRCA2 Hereditary Breast and Ovarian Cancer. Identifiers: Orphanet 145, MedGen C2675520, MONDO:0012933, OMIM 612555. Disease mechanism: loss of function.
Wilms tumor 1 (WT1). Also called: Wilms tumor, somatic. Identifiers: Orphanet 654, MedGen CN033288, MONDO:0008679, OMIM 194070.
Medulloblastoma (MDB). Also called: MEDULLOBLASTOMA PREDISPOSITION SYNDROME; Medulloblastoma, somatic. Identifiers: Orphanet 616, MedGen C0025149, MeSH D008527, MONDO:0007959, OMIM 155255, HP:0002885.
Fanconi anemia complementation group D1. Also called: BRCA2-Related Fanconi Anemia. Identifiers: Orphanet 319462, MedGen C1838457, MONDO:0011584, OMIM 605724.
Familial cancer of breast. Also called: Hereditary breast cancer; hereditary breast carcinoma; BREAST CANCER, FAMILIAL. Identifiers: Orphanet 227535, MedGen C0346153, MONDO:0016419, OMIM 114480. Disease mechanism: loss of function.
Pancreatic cancer, susceptibility to, 2. Identifiers: Orphanet 1333, MedGen C3150546, MONDO:0013235, OMIM 613347.
Hereditary cancer-predisposing syndrome. Also called: Hereditary neoplastic syndrome; Hereditary Cancer Syndrome; Tumor predisposition; Neoplastic Syndromes, Hereditary. Identifiers: Orphanet 140162, MedGen C0027672, MeSH D009386, MONDO:0015356.
Hereditary breast ovarian cancer syndrome. Also called: Breast and ovarian cancer; Hereditary breast and/or ovarian cancer syndrome; Hereditary breast and ovarian cancer; Hereditary breast and ovarian cancer syndrome; BRCA1- and BRCA2-Associated Hereditary Breast and Ovarian Cancer; Hereditary breast and ovarian cancer syndrome (HBOC). Identifiers: Orphanet 145, MedGen C0677776, MeSH D061325, MONDO:0003582. Disease mechanism: loss of function.

Submissions (15):

Evidence-based Network for the Interpretation of Germline Mutant Alleles (ENIGMA)
Classification: Pathogenic for Breast-ovarian cancer, familial, susceptibility to, 2. Last evaluated: 2016-09-08. Review status: reviewed by expert panel. Criteria: ENIGMA BRCA1/2 Classification Criteria (2015). Collection method: curation. Allele origin: germline.
Comment: Variant allele predicted to encode a truncated non-functional protein.

Labcorp Genetics (formerly Invitae), Labcorp
Classification: Pathogenic for Hereditary breast ovarian cancer syndrome. Last evaluated: 2025-11-30. Review status: criteria provided, single submitter. Criteria: Invitae Variant Classification Sherloc (09022015). Collection method: clinical testing. Allele origin: germline. Not counted in ClinVar's aggregate classification.
Comment: This sequence change creates a premature translational stop signal (p.Asn2189Lysfs*8) in the BRCA2 gene. It is expected to result in an absent or disrupted protein product. Loss-of-function variants in BRCA2 are known to be pathogenic (PMID: 20104584). This variant is not present in population databases (gnomAD no frequency). This variant has not been reported in the literature in individuals affected with BRCA2-related conditions. ClinVar contains an entry for this variant (Variation ID: 38053). For these reasons, this variant has been classified as Pathogenic.

Cambridge Genomics Laboratory, East Genomic Laboratory Hub, NHS Genomic Medicine Service
Classification: Pathogenic for Inherited breast cancer and ovarian cancer. Last evaluated: 2025-09-15. Review status: criteria provided, single submitter. Criteria: ACGS Best Practice Guidelines for Variant Classification in Rare Disease 2020. Collection method: clinical testing. Allele origin: germline. Affected: yes. Not counted in ClinVar's aggregate classification.
Comment: PVS1,PM2,PM5_Strong

Ambry Genetics
Classification: Pathogenic for Hereditary cancer-predisposing syndrome. Last evaluated: 2024-10-29. Review status: criteria provided, single submitter. Criteria: Ambry Variant Classification Scheme 2023. Collection method: clinical testing. Allele origin: germline. Not counted in ClinVar's aggregate classification.
Comment: The c.6566dupA pathogenic mutation, located in coding exon 10 of the BRCA2 gene, results from a duplication of A at nucleotide position 6566, causing a translational frameshift with a predicted alternate stop codon (p.N2189Kfs*8). This mutation was identified in a cohort of 4439 women with ovarian cancer undergoing multigene panel testing at one laboratory (Carter NJ et al. Gynecol Oncol, 2018 12;151:481-488). This mutation was also identified in a large, worldwide study of BRCA1/2 mutation positive families (Rebbeck TR et al. Hum Mutat, 2018 05;39:593-620). This variant is considered to be rare based on population cohorts in the Genome Aggregation Database (gnomAD). In addition to the clinical data presented in the literature, this alteration is expected to result in loss of function by premature protein truncation or nonsense-mediated mRNA decay. As such, this alteration is interpreted as a disease-causing mutation.

Blueprint Genetics
Classification: Pathogenic for BRCA2-related disorders. Last evaluated: 2024-06-14. Review status: criteria provided, single submitter. Criteria: ACMG Guidelines, 2015. Collection method: clinical testing. Allele origin: germline. Affected: yes. Observed: 1 variant allele. Not counted in ClinVar's aggregate classification.

Molecular Pathology, Peter Maccallum Cancer Centre
Classification: Pathogenic for Breast-ovarian cancer, familial, susceptibility to, 2. Last evaluated: 2024-06-04. Review status: criteria provided, single submitter. Criteria: ACMG Guidelines, 2015. Collection method: clinical testing. Allele origin: germline. Inheritance: Autosomal dominant inheritance. Not counted in ClinVar's aggregate classification.

GeneDx
Classification: Pathogenic. Last evaluated: 2023-10-30. Review status: criteria provided, single submitter. Criteria: GeneDx Variant Classification Process June 2021. Collection method: clinical testing. Allele origin: germline. Affected: yes. Not counted in ClinVar's aggregate classification.
Comment: Frameshift variant predicted to result in protein truncation or nonsense mediated decay in a gene for which loss-of-function is a known mechanism of disease; Not observed in large population cohorts (gnomAD); Truncating variants in this gene are considered pathogenic by a well-established clinical consortium and/or database; Also known as 6794dupA; This variant is associated with the following publications: (PMID: 30263092, 30787465, 30322717, 28888541)

KCCC/NGS Laboratory, Kuwait Cancer Control Center
Classification: Pathogenic for Breast-ovarian cancer, familial, susceptibility to, 2. Last evaluated: 2023-06-06. Review status: criteria provided, single submitter. Criteria: ACMG Guidelines, 2015. Collection method: clinical testing. Allele origin: germline. Affected: yes. Not counted in ClinVar's aggregate classification.
Comment: A pathogenic variant was detected in this sample in BRCA2 gene . This sequence change creates a premature translational stop signal (p.Asn2189Lysfs*8) in the BRCA2 gene. It is expected to result in an absent or disrupted protein product. Lossof- function variants in BRCA2 are known to be pathogenic (PMID: 20104584). This variant is not present in population databases (GenomAD). This variant is associated with the following publications: (PMID: 30263092, 30322717). ClinVar contains an entry for this variant (Variation ID: 38053) submitted by eight clinical labs after 2014 and all classify this variant as pathogenic . For these reasons, this variant has been classified as Pathogenic. This variant confirmed by Sanger Sequencing .

Baylor Genetics
Classification: Pathogenic for Familial cancer of breast. Last evaluated: 2023-03-21. Review status: criteria provided, single submitter. Criteria: ACMG Guidelines, 2015. Collection method: clinical testing. Allele origin: unknown. Not counted in ClinVar's aggregate classification.

Department of Pathology and Laboratory Medicine, Sinai Health System
Classification: Pathogenic for Pancreatic cancer, susceptibility to, 2. Last evaluated: 2023-03-20. Review status: criteria provided, single submitter. Criteria: ACMG Guidelines, 2015. Collection method: clinical testing. Allele origin: germline. Affected: yes. Not counted in ClinVar's aggregate classification.

Color Diagnostics, LLC DBA Color Health
Classification: Pathogenic for Hereditary cancer-predisposing syndrome. Last evaluated: 2022-05-09. Review status: criteria provided, single submitter. Criteria: ACMG Guidelines, 2015. Collection method: clinical testing. Allele origin: germline. Not counted in ClinVar's aggregate classification.
Comment: This variant inserts 1 nucleotide in exon 11 of the BRCA2 gene, creating a frameshift and premature translation stop signal. This variant is expected to result in an absent or non-functional protein product. This variant has been reported in at least 1 individual affected with ovarian cancer (PMID: 30322717). This variant has not been identified in the general population by the Genome Aggregation Database (gnomAD). Loss of BRCA2 function is a known mechanism of disease. Based on the available evidence, this variant is classified as Pathogenic.

Fulgent Genetics
Classification: Pathogenic for Familial cancer of breast; Medulloblastoma; Familial prostate cancer; Wilms tumor 1; Fanconi anemia complementation group D1; Breast-ovarian cancer, familial, susceptibility to, 2; Glioma susceptibility 3; Pancreatic cancer, susceptibility to, 2. Last evaluated: 2021-10-14. Review status: criteria provided, single submitter. Criteria: ACMG Guidelines, 2015. Collection method: clinical testing. Allele origin: unknown. Not counted in ClinVar's aggregate classification.

Quest Diagnostics Nichols Institute San Juan Capistrano
Classification: Pathogenic. Last evaluated: 2020-08-07. Review status: criteria provided, single submitter. Criteria: Quest Diagnostics criteria. Collection method: clinical testing. Allele origin: unknown. Not counted in ClinVar's aggregate classification.
Comment: This variant alters the translational reading frame of the BRCA2 mRNA and causes the premature termination of BRCA2 protein synthesis. In the published literature, this variant has been reported in an individual affected with ovarian cancer (BRCA Exchange, PMID: 30322717 (2018)). Based on the available information, this variant is classified as pathogenic.

Consortium of Investigators of Modifiers of BRCA1/2 (CIMBA), c/o University of Cambridge
Classification: Pathogenic for Breast-ovarian cancer, familial, susceptibility to, 2. Last evaluated: 2015-10-02. Review status: criteria provided, single submitter. Criteria: CIMBA Mutation Classification guidelines May 2016. Collection method: clinical testing. Allele origin: germline. Not counted in ClinVar's aggregate classification.

Sharing Clinical Reports Project (SCRP)
Classification: Pathogenic for Breast-ovarian cancer, familial 2. Last evaluated: 2012-02-29. Review status: no assertion criteria provided. Collection method: clinical testing. Allele origin: germline. Not counted in ClinVar's aggregate classification.

Literature cited by the submitters: PubMed 20104584 (cited by Labcorp Genetics (formerly Invitae), Labcorp); PubMed 29446198 (cited by Ambry Genetics); PubMed 30322717 (cited by 4 submitters); PubMed 26295337 (cited by Quest Diagnostics Nichols Institute San Juan Capistrano).

NM_000059.4(BRCA2):c.6566dup (p.Asn2189fs)

Gene: BRCA2 (BRCA2 DNA repair associated; plus strand). Cytogenetic location: 13q13.1.
Variant type: Duplication.
Coding change: c.6566dup on transcript NM_000059.4 (MANE Select); coding-DNA position 6566, one base duplicated (A; older notation c.6566dupA).
Protein change: p.Asn2189fs; shifts the reading frame from asparagine 2189.
Molecular consequence: frameshift variant.
Genome position (GRCh38, 1-based): chr13:32,340,921, A duplicated; the last of 5 consecutive A bases (chr13:32,340,917-32,340,921); duplicating any one gives the same sequence. VCF-style (leftmost placement, unchanged base first): chr13-32340916-T-TA. GRCh37 (hg19) VCF-style: chr13-32915053-T-TA.
Other names: 6794insA; c.6566dupA (NM_000059.3); short protein forms N2189fs.
Identifiers: ClinVar variation 38053 (VCV000038053.37), dbSNP rs397507373, ClinGen allele CA024170.
Genomic context (GRCh38, chr13:32,340,916, plus strand): 5'-AGGAACCAAAGTGTCACTTGTTGAGAACATTCATGTTTTGGGAAAAGAACAGGCTTCACC[T>TA]AAAAACGTAAAAATGGAAATTGGTAAAACTGAAACTTTTTCTGATGTTCCTGTGAAAACA-3'